The following is an entry in ClinVar:

NM_000548.5(TSC2):c.1150G>A (p.Val384Ile)

Gene: TSC2 (TSC complex subunit 2; plus strand). Cytogenetic location: 16p13.3.
Variant type: single nucleotide variant.
Coding change: c.1150G>A on transcript NM_000548.5 (MANE Select); coding-DNA position 1150, G replaced by A.
Protein change: p.Val384Ile; replaces valine 384 with isoleucine.
Molecular consequence: missense variant.
Genome position (GRCh38, 1-based): chr16:2,061,901, G>A. VCF-style: chr16-2061901-G-A. GRCh37 (hg19) VCF-style: chr16-2111902-G-A.
Other names: c.1150G>A, p.Val384Ile (NM_001077183.3, NM_001114382.3, NM_001363528.2 and 3 more transcripts); c.1039G>A, p.Val347Ile (NM_001318827.2); c.1003G>A, p.Val335Ile (NM_001318829.2); c.550G>A, p.Val184Ile (NM_001318831.2); c.1183G>A, p.Val395Ile (NM_001318832.2); short protein forms V384I, V335I, V395I, V184I, V347I.
Identifiers: ClinVar variation 64844 (VCV000064844.24), dbSNP rs397514881, ClinGen allele CA013958.

ClinVar aggregate classification (germline): Benign/Likely benign. Review status: criteria provided, multiple submitters, no conflicts (2 of 4 stars). 8 submissions from 8 submitters: Benign (1); Likely benign (6). 1 of the submissions does not count toward it. Last evaluated 2025-12-30.

Conditions:
Isolated focal cortical dysplasia type II (FCORD2). Also called: CORTICAL DYSPLASIA OF TAYLOR; Focal cortical dysplasia type II. Identifiers: Orphanet 268994, MedGen C1846385, MONDO:0011818, OMIM 607341, HP:0032051.
Tuberous sclerosis 2 (TSC2). Identifiers: Orphanet 805, MedGen C1860707, MONDO:0013199, OMIM 613254.
Lymphangiomyomatosis (LAM). Also called: Lymphangioleiomyomatosis; Lymphangioleiomyomatosis, somatic. Identifiers: Orphanet 538, MedGen C0751674, MONDO:0011705, OMIM 606690.
Hereditary cancer-predisposing syndrome. Also called: Tumor predisposition; Hereditary Cancer Syndrome; Neoplastic Syndromes, Hereditary; Hereditary neoplastic syndrome. Identifiers: Orphanet 140162, MedGen C0027672, MeSH D009386, MONDO:0015356.
Tuberous sclerosis syndrome (TSC). Also called: Tuberous Sclerosis Complex; Tuberous sclerosis. Identifiers: Orphanet 805, MedGen C0041341, MONDO:0001734.

Allele frequency attached by ClinVar (database versions not stated): gnomAD exomes 0.00001 and 0.00002; ExAC 0.00002; TOPMed 0.00002; gnomAD 0.00003; 1000 Genomes Project 30x 0.00016; 1000 Genomes Project 0.00020.
gnomAD v4.1: 19 of 1,614,196 alleles (0.0012%); highest among the groups gnomAD compares: South Asian, 0.015%; no homozygotes.

Submissions (8):

Labcorp Genetics (formerly Invitae), Labcorp
Classification: Benign for Tuberous sclerosis 2. Last evaluated: 2025-12-30. Review status: criteria provided, single submitter. Criteria: Invitae Variant Classification Sherloc (09022015). Collection method: clinical testing. Allele origin: germline.

Myriad Genetics, Inc.
Classification: Likely benign for Tuberous sclerosis 2. Last evaluated: 2024-08-09. Review status: criteria provided, single submitter. Criteria: Myriad Autosomal Dominant, Autosomal Recessive and X-Linked Classification Criteria (2023). Collection method: clinical testing. Allele origin: unknown.
Comment: This variant is considered likely benign. This variant has been observed at a population frequency that is significantly greater than expected given the associated disease prevalence and penetrance.

All of Us Research Program, National Institutes of Health
Classification: Likely benign for Tuberous sclerosis syndrome. Last evaluated: 2024-05-09. Review status: criteria provided, single submitter. Criteria: ACMG Guidelines, 2015. Collection method: clinical testing. Allele origin: germline. Inheritance: Autosomal dominant inheritance. Observed: 3 variant alleles, 3 heterozygotes.
Comment: This study involves interpretation of variants in research participants for the purpose of population health screening. Participant phenotype was not available at the time of variant classification. Additional details can be found in publication PMID: 35346344, PMCID: PMC8962531

Fulgent Genetics
Classification: Likely benign for Lymphangiomyomatosis; Isolated focal cortical dysplasia type II; Tuberous sclerosis 2. Last evaluated: 2024-04-02. Review status: criteria provided, single submitter. Criteria: ACMG Guidelines, 2015. Collection method: clinical testing. Allele origin: germline.

Ambry Genetics
Classification: Likely benign for Hereditary cancer-predisposing syndrome. Last evaluated: 2022-10-05. Review status: criteria provided, single submitter. Criteria: Ambry Variant Classification Scheme 2023. Collection method: clinical testing. Allele origin: germline.

Color Diagnostics, LLC DBA Color Health
Classification: Likely benign for Tuberous sclerosis syndrome. Last evaluated: 2022-09-20. Review status: criteria provided, single submitter. Criteria: ACMG Guidelines, 2015. Collection method: clinical testing. Allele origin: germline.

Genome-Nilou Lab
Classification: Likely benign for Tuberous sclerosis 2. Last evaluated: 2021-11-07. Review status: criteria provided, single submitter. Criteria: ACMG Guidelines, 2015. Collection method: clinical testing. Allele origin: germline. Affected: no.

Tuberous sclerosis database (TSC2)
No classification provided. Condition: TSC. Review status: no classification provided. Criteria: Tuberous Sclerosis Database Assertion Criteria 2015. Collection method: curation. Allele origin: germline. Affected: yes. Not counted in ClinVar's aggregate classification.